The following is an entry in ClinVar:

ClinVar aggregate classification (germline): Uncertain significance (1 of 4 stars; one submission).

Conditions:
Werner syndrome (WRN). Identifiers: Orphanet 902, MedGen C0043119, MONDO:0010196, OMIM 277700.

Allele frequency attached by ClinVar (database versions not stated): gnomAD exomes 0.00002; TOPMed 0.00003.
gnomAD v4.1: 12 of 1,608,048 alleles (0.00075%); highest among the groups gnomAD compares: Admixed American, 0.013%; no homozygotes.

Submission:

Labcorp Genetics (formerly Invitae), Labcorp
Classification: Uncertain significance for Werner syndrome. Last evaluated: 2025-10-27. Review status: criteria provided, single submitter. Criteria: Invitae Variant Classification Sherloc (09022015). Collection method: clinical testing. Allele origin: germline.
Comment: This sequence change replaces arginine, which is basic and polar, with glutamine, which is neutral and polar, at codon 637 of the WRN protein (p.Arg637Gln). This variant is present in population databases (no rsID available, gnomAD 0.01%). This variant has not been reported in the literature in individuals affected with WRN-related conditions. ClinVar contains an entry for this variant (Variation ID: 1061044). An algorithm developed to predict the effect of missense changes on protein structure and function outputs the following: PolyPhen-2: "Benign". The glutamine amino acid residue is found in multiple mammalian species, which suggests that this missense change does not adversely affect protein function. In summary, the available evidence is currently insufficient to determine the role of this variant in disease. Therefore, it has been classified as a Variant of Uncertain Significance.

NM_000553.6(WRN):c.1910G>A (p.Arg637Gln)

Gene: WRN (WRN RecQ like helicase; plus strand). Cytogenetic location: 8p12.
Variant type: single nucleotide variant.
Coding change: c.1910G>A on transcript NM_000553.6 (MANE Select); coding-DNA position 1910, G replaced by A.
Protein change: p.Arg637Gln; replaces arginine 637 with glutamine.
Molecular consequence: missense variant.
Genome position (GRCh38, 1-based): chr8:31,096,779, G>A. VCF-style: chr8-31096779-G-A. GRCh37 (hg19) VCF-style: chr8-30954295-G-A.
Other names: short protein forms R637Q.
Identifiers: ClinVar variation 1061044 (VCV001061044.5), dbSNP rs1287408422, ClinGen allele CA370929586.